The following is an entry in ClinVar:

NM_000304.4(PMP22):c.68C>T (p.Thr23Met)

Gene: PMP22 (peripheral myelin protein 22; minus strand). Cytogenetic location: 17p12.
Variant type: single nucleotide variant.
Coding change: c.68C>T on transcript NM_000304.4 (MANE Select); coding-DNA position 68, C replaced by T.
Protein change: p.Thr23Met; replaces threonine 23 with methionine.
Molecular consequence: missense variant.
Genome position (GRCh38, 1-based): chr17:15,260,660, G>A on the plus strand (C>T on the coding strand, the complement: PMP22 is on the minus strand). VCF-style: chr17-15260660-G-A. GRCh37 (hg19) VCF-style: chr17-15163977-G-A.
Other names: c.68C>T, p.Thr23Met (NM_001281455.2, NM_001281456.2, NM_001330143.2 and 2 more transcripts); short protein forms T23M.
Identifiers: ClinVar variation 2082318 (VCV002082318.5), dbSNP rs906563423, ClinGen allele CA288109902.

ClinVar aggregate classification (germline): Uncertain significance. Review status: criteria provided, multiple submitters, no conflicts (2 of 4 stars). 2 submissions from 2 submitters: Uncertain significance (2). Last evaluated 2025-05-18.

Conditions:
Charcot-Marie-Tooth disease, type I (CMT1). Also called: Charcot-Marie-Tooth, Type 1; Charcot-Marie-Tooth disease type 1. Identifiers: Orphanet 65753, MedGen C0751036, MONDO:0019011.
Charcot-Marie-Tooth disease, type IA (CMT1A). Also called: HEREDITARY MOTOR AND SENSORY NEUROPATHY IA; Charcot-Marie-Tooth disease type 1A; CMT 1A; Hereditary motor and sensory neuropathy 1A; HMSN 1A; CHARCOT-MARIE-TOOTH DISEASE, DEMYELINATING, TYPE 1A. Identifiers: Orphanet 101081, MedGen C0270911, MONDO:0007309, OMIM 118220.

Allele frequency attached by ClinVar (database versions not stated): TOPMed below 0.00001; gnomAD 0.00001.
gnomAD v4.1: 4 of 1,552,246 alleles (0.00026%); highest among the groups gnomAD compares: Admixed American, 0.0059%; no homozygotes.

Submissions (2):

Labcorp Genetics (formerly Invitae), Labcorp
Classification: Uncertain significance for Charcot-Marie-Tooth disease, type I. Last evaluated: 2025-05-18. Review status: criteria provided, single submitter. Criteria: Invitae Variant Classification Sherloc (09022015). Collection method: clinical testing. Allele origin: germline.
Comment: This sequence change replaces threonine, which is neutral and polar, with methionine, which is neutral and non-polar, at codon 23 of the PMP22 protein (p.Thr23Met). The frequency data for this variant in the population databases is considered unreliable, as metrics indicate poor data quality at this position in the gnomAD database. This variant has not been reported in the literature in individuals affected with PMP22-related conditions. ClinVar contains an entry for this variant (Variation ID: 2082318). Invitae Evidence Modeling of protein sequence and biophysical properties (such as structural, functional, and spatial information, amino acid conservation, physicochemical variation, residue mobility, and thermodynamic stability) indicates that this missense variant is expected to disrupt PMP22 protein function with a positive predictive value of 95%. This variant disrupts the p.Thr23 amino acid residue in PMP22. Other variant(s) that disrupt this residue have been determined to be pathogenic (PMID: 15099592, 23263778; internal data). This suggests that this residue is clinically significant, and that variants that disrupt this residue are likely to be disease-causing. In summary, the available evidence is currently insufficient to determine the role of this variant in disease. Therefore, it has been classified as a Variant of Uncertain Significance.

Genomic Medicine Center of Excellence, King Faisal Specialist Hospital and Research Centre
Classification: Uncertain significance for Charcot-Marie-Tooth disease, type IA. Last evaluated: 2024-03-29. Review status: criteria provided, single submitter. Criteria: ACMG Guidelines, 2015. Collection method: clinical testing. Allele origin: germline.

Literature cited by the submitters: PubMed 15099592 (cited by Labcorp Genetics (formerly Invitae), Labcorp); PubMed 23263778 (cited by Labcorp Genetics (formerly Invitae), Labcorp).